The following is an entry in ClinVar:

NM_001540.5(HSPB1):c.-4C>T

Gene: HSPB1 (heat shock protein family B (small) member 1; plus strand). Cytogenetic location: 7q11.23.
Variant type: single nucleotide variant.
Coding change: c.-4C>T on transcript NM_001540.5 (MANE Select); 4 bases upstream of the start codon, C replaced by T.
Molecular consequence: 5 prime UTR variant.
Genome position (GRCh38, 1-based): chr7:76,302,709, C>T. VCF-style: chr7-76302709-C-T. GRCh37 (hg19) VCF-style: chr7-75932026-C-T.
Other names: c.-4C>T (LRG_248t1).
Identifiers: ClinVar variation 360736 (VCV000360736.11), dbSNP rs372833436, ClinGen allele CA4306224.

ClinVar aggregate classification (germline): Conflicting classifications of pathogenicity. Review status: criteria provided, conflicting classifications (1 of 4 stars). 6 submissions from 5 submitters: Uncertain significance (1); Benign (2); Likely benign (3). Last evaluated 2026-07-14.

Conditions:
Charcot-Marie-Tooth disease. Also called: Charcot-Marie-Tooth Hereditary Neuropathy; Charcot-Marie-Tooth Neuropathy. Identifiers: Orphanet 166, MedGen C0007959, MONDO:0015626.
HSPB1-related disorder. Also called: HSPB1-related condition; HSPB1-related disorders.
Neuronopathy, distal hereditary motor, type 2B. Also called: NEURONOPATHY, DISTAL HEREDITARY MOTOR, HARDING TYPE IIB; NEUROPATHY, DISTAL HEREDITARY MOTOR, HARDING TYPE IIB; HMN IIB; NEURONOPATHY, DISTAL HEREDITARY MOTOR, AUTOSOMAL DOMINANT 3. Identifiers: Orphanet 139525, MedGen C2608087, MONDO:0012080, OMIM 608634.
Charcot-Marie-Tooth disease axonal type 2F (CMT2F). Also called: Charcot-Marie-Tooth Neuropathy Type 2F; CHARCOT-MARIE-TOOTH DISEASE, NEURONAL, TYPE 2F. Identifiers: Orphanet 99940, MedGen C1847823, MONDO:0011687, OMIM 606595.

Allele frequency attached by ClinVar (database versions not stated): gnomAD exomes 0.00004 and 0.00010; gnomAD 0.00005 and 0.00007; TOPMed 0.00005; ESP Exome Variant Server 0.00008; ExAC 0.00010.
gnomAD v4.1: 76 of 1,600,724 alleles (0.0047%); highest among the groups gnomAD compares: South Asian, 0.065%; no homozygotes.

Submissions (7):

PreventionGenetics, part of Exact Sciences
Classification: Likely benign for HSPB1-related condition. Last evaluated: 2026-07-14. Review status: criteria provided, single submitter. Criteria: ACMG Guidelines, 2015. Collection method: clinical testing. Allele origin: germline.
Comment: This variant is classified as likely benign based on ACMG/AMP sequence variant interpretation guidelines (Richards et al. 2015 PMID: 25741868, with internal and published modifications).

Women's Health and Genetics/Laboratory Corporation of America, LabCorp
Classification: Benign. Last evaluated: 2025-05-05. Review status: criteria provided, single submitter. Criteria: LabCorp Variant Classification Summary - May 2015. Collection method: clinical testing. Allele origin: germline.
Comment: Variant summary: HSPB1 c.-4C>T is located in the untranslated mRNA region upstream of the initiation codon. The variant allele was found at a frequency of 9.8e-05 in 235360 control chromosomes. The observed variant frequency is approximately 97.72 fold of the estimated maximal expected allele frequency for a pathogenic variant in HSPB1 causing Charcot-Marie-Tooth disease axonal type 2F phenotype (1e-06). To our knowledge, no occurrence of c.-4C>T in individuals affected with Charcot-Marie-Tooth disease axonal type 2F and no experimental evidence demonstrating its impact on protein function have been reported. ClinVar contains an entry for this variant (Variation ID: 360736). Based on the evidence outlined above, the variant was classified as benign.

Blueprint Genetics
Classification: Likely benign. Last evaluated: 2024-11-25. Review status: criteria provided, single submitter. Criteria: ACMG Guidelines, 2015. Collection method: clinical testing. Allele origin: germline.

Illumina Laboratory Services, Illumina
Classification: Likely benign for Charcot-Marie-Tooth disease axonal type 2F. Last evaluated: 2018-01-12. Review status: criteria provided, single submitter. Criteria: ICSL Variant Classification Criteria 13 December 2019. Collection method: clinical testing. Allele origin: germline.
Comment: This variant was observed in the ICSL laboratory as part of a predisposition screen in an ostensibly healthy population. It had not been previously curated by ICSL or reported in the Human Gene Mutation Database (HGMD: prior to June 1st, 2018), and was therefore a candidate for classification through an automated scoring system. Utilizing variant allele frequency, disease prevalence and penetrance estimates, and inheritance mode, an automated score was calculated to assess if this variant is too frequent to cause the disease. Based on the score and internal cut-off values, a variant classified as likely benign is not then subjected to further curation. The score for this variant resulted in a classification of likely benign for this disease.

Illumina Laboratory Services, Illumina
Classification: Benign for Neuronopathy, distal hereditary motor, type 2B. Last evaluated: 2018-01-12. Review status: criteria provided, single submitter. Criteria: ICSL Variant Classification Criteria 13 December 2019. Collection method: clinical testing. Allele origin: germline.
Comment: This variant was observed in the ICSL laboratory as part of a predisposition screen in an ostensibly healthy population. It had not been previously curated by ICSL or reported in the Human Gene Mutation Database (HGMD: prior to June 1st, 2018), and was therefore a candidate for classification through an automated scoring system. Utilizing variant allele frequency, disease prevalence and penetrance estimates, and inheritance mode, an automated score was calculated to assess if this variant is too frequent to cause the disease. Based on the score and internal cut-off values, a variant classified as benign is not then subjected to further curation. The score for this variant resulted in a classification of benign for this disease.

Molecular Genetics Laboratory, London Health Sciences Centre
Classification: Uncertain significance for Charcot-Marie-Tooth disease. Review status: criteria provided, single submitter. Criteria: ACMG Guidelines, 2015. Collection method: clinical testing. Allele origin: germline. Affected: yes.

Seelig Lab, University of Washington
No classification provided (evidence only). Review status: no classification provided. Collection method: in vitro. Allele origin: not applicable. Functional consequence: effect on translation. Not counted in ClinVar's aggregate classification.
ClinVar note: "not provided" was previously submitted as the classification for the variant. However, the classification appeared to be based only on an observation of functional data so it was converted to no classification on 2025-07-30.